The following is an entry in ClinVar:

ClinVar aggregate classification (germline): Uncertain significance. Review status: criteria provided, multiple submitters, no conflicts (2 of 4 stars). 6 submissions from 3 submitters: Uncertain significance (6). Last evaluated 2024-06-30.

Conditions:
Age related macular degeneration 4. Identifiers: MedGen C1853147, MONDO:0012540, OMIM 610698.
Basal laminar drusen. Also called: DRUSEN OF BRUCH MEMBRANE; DRUSEN, CUTICULAR; DRUSEN, EARLY ADULT-ONSET, GROUPED. Identifiers: Orphanet 75376, MedGen C0730295, MONDO:0007472, OMIM 126700.
Factor H deficiency (CFHD). Also called: COMPLEMENT FACTOR H DEFICIENCY; CFH DEFICIENCY. Identifiers: Orphanet 200421, MedGen C0398777, MONDO:0012350, OMIM 609814.
Hemolytic uremic syndrome, atypical, susceptibility to, 1. Also called: AHUS, SUSCEPTIBILITY TO, 1. Identifiers: Orphanet 2134, Orphanet 90038, MedGen C2749604, MONDO:0009335, OMIM 235400. Disease mechanism: Other.

Allele frequency attached by ClinVar (database versions not stated): gnomAD 0.00001; gnomAD exomes 0.00001; TOPMed 0.00002.
gnomAD v4.1: 8 of 1,605,522 alleles (0.0005%); highest among the groups gnomAD compares: South Asian, 0.0011%; no homozygotes.

Submissions (6):

Labcorp Genetics (formerly Invitae), Labcorp
Classification: Uncertain significance. Last evaluated: 2024-06-30. Review status: criteria provided, single submitter. Criteria: Invitae Variant Classification Sherloc (09022015). Collection method: clinical testing. Allele origin: germline.
Comment: This sequence change replaces isoleucine, which is neutral and non-polar, with threonine, which is neutral and polar, at codon 685 of the CFH protein (p.Ile685Thr). This variant is not present in population databases (gnomAD no frequency). This variant has not been reported in the literature in individuals affected with CFH-related conditions. ClinVar contains an entry for this variant (Variation ID: 1488054). An algorithm developed to predict the effect of missense changes on protein structure and function (PolyPhen-2) suggests that this variant is likely to be disruptive. In summary, the available evidence is currently insufficient to determine the role of this variant in disease. Therefore, it has been classified as a Variant of Uncertain Significance.

Fulgent Genetics
Classification: Uncertain significance for Basal laminar drusen; Hemolytic uremic syndrome, atypical, susceptibility to, 1; Factor H deficiency; Age related macular degeneration 4. Last evaluated: 2024-05-06. Review status: criteria provided, single submitter. Criteria: ACMG Guidelines, 2015. Collection method: clinical testing. Allele origin: germline.

Genome-Nilou Lab
Classification: Uncertain significance for Hemolytic uremic syndrome, atypical, susceptibility to, 1. Last evaluated: 2023-04-11. Review status: criteria provided, single submitter. Criteria: ACMG Guidelines, 2015. Collection method: clinical testing. Allele origin: germline. Affected: no.

Genome-Nilou Lab
Classification: Uncertain significance for Age related macular degeneration 4. Last evaluated: 2023-04-11. Review status: criteria provided, single submitter. Criteria: ACMG Guidelines, 2015. Collection method: clinical testing. Allele origin: germline. Affected: no.

Genome-Nilou Lab
Classification: Uncertain significance for Basal laminar drusen. Last evaluated: 2023-04-11. Review status: criteria provided, single submitter. Criteria: ACMG Guidelines, 2015. Collection method: clinical testing. Allele origin: germline. Affected: no.

Genome-Nilou Lab
Classification: Uncertain significance for Factor H deficiency. Last evaluated: 2023-04-11. Review status: criteria provided, single submitter. Criteria: ACMG Guidelines, 2015. Collection method: clinical testing. Allele origin: germline. Affected: no.

NM_000186.4(CFH):c.2054T>C (p.Ile685Thr)

Gene: CFH (complement factor H; plus strand). Cytogenetic location: 1q31.3.
Variant type: single nucleotide variant.
Coding change: c.2054T>C on transcript NM_000186.4 (MANE Select); coding-DNA position 2054, T replaced by C.
Protein change: p.Ile685Thr; replaces isoleucine 685 with threonine.
Molecular consequence: missense variant.
Genome position (GRCh38, 1-based): chr1:196,726,650, T>C. VCF-style: chr1-196726650-T-C. GRCh37 (hg19) VCF-style: chr1-196695780-T-C.
Other names: short protein forms I685T.
Identifiers: ClinVar variation 1488054 (VCV001488054.9), dbSNP rs1431491220, ClinGen allele CA343988361.
Genomic context (GRCh38, chr1:196,726,650, plus strand): 5'-TGAAGGGACCTAATAAAATTCAATGTGTTGATGGAGAGTGGACAACTTTACCAGTGTGTA[T>C]TGGTAATGTATAAAATATTAATATTTAAACTTGTCAAAACTTTTGTATTTTGTATCTAAA-3'
Protein context (NP_000177.2, residues 675-695): DGEWTTLPVC[Ile685Thr]VEESTCGDIP